The following is an entry in ClinVar:

ClinVar aggregate classification (germline): Uncertain significance (1 of 4 stars; one submission).

Conditions:
Cardiovascular phenotype. Identifiers: MedGen CN230736.

Submission:

Ambry Genetics
Classification: Uncertain significance for Cardiovascular phenotype. Last evaluated: 2026-03-12. Review status: criteria provided, single submitter. Criteria: Ambry Variant Classification Scheme 2023. Collection method: clinical testing. Allele origin: germline.
Comment: The p.G1269S variant (also known as c.3805G>A), located in coding exon 2 of the ZNF469 gene, results from a G to A substitution at nucleotide position 3805. The glycine at codon 1269 is replaced by serine, an amino acid with similar properties. This amino acid position is conserved. In addition, this alteration is predicted to be tolerated by in silico analysis. Based on the available evidence, the clinical significance of this variant remains unclear.

NM_001127464.1:c.3805G>A

Gene: ZNF469 (zinc finger protein 469; plus strand).
Variant type: single nucleotide variant.
Identifiers: ClinVar variation 4826332 (VCV004826332.1).